The following is an entry in ClinVar:

NM_004356.4(CD81):c.227G>C (p.Gly76Ala)

Gene: CD81 (CD81 molecule; plus strand). Cytogenetic location: 11p15.5.
Variant type: single nucleotide variant.
Coding change: c.227G>C on transcript NM_004356.4 (MANE Select); coding-DNA position 227, G replaced by C.
Protein change: p.Gly76Ala; replaces glycine 76 with alanine.
Molecular consequence: missense variant.
Genome position (GRCh38, 1-based): chr11:2,394,140, G>C. VCF-style: chr11-2394140-G-C. GRCh37 (hg19) VCF-style: chr11-2415370-G-C.
Other names: c.14G>C, p.Gly5Ala (NM_001297649.2); short protein forms G76A, G5A.
Identifiers: ClinVar variation 2129296 (VCV002129296.4), dbSNP rs1322154084, ClinGen allele CA379123281.

ClinVar aggregate classification (germline): Uncertain significance (1 of 4 stars; one submission).

Allele frequency attached by ClinVar (database versions not stated): gnomAD exomes below 0.00001; gnomAD 0.00001; TOPMed 0.00001.
gnomAD v4.1: 3 of 1,613,218 alleles (0.00019%); highest among the groups gnomAD compares: Admixed American, 0.0017%; no homozygotes.

Submission:

Labcorp Genetics (formerly Invitae), Labcorp
Classification: Uncertain significance. Last evaluated: 2023-09-01. Review status: criteria provided, single submitter. Criteria: Invitae Variant Classification Sherloc (09022015). Collection method: clinical testing. Allele origin: germline.
Comment: An algorithm developed to predict the effect of missense changes on protein structure and function (PolyPhen-2) suggests that this variant is likely to be disruptive. In summary, the available evidence is currently insufficient to determine the role of this variant in disease. Therefore, it has been classified as a Variant of Uncertain Significance. This sequence change replaces glycine, which is neutral and non-polar, with alanine, which is neutral and non-polar, at codon 76 of the CD81 protein (p.Gly76Ala). This variant is not present in population databases (gnomAD no frequency). This variant has not been reported in the literature in individuals affected with CD81-related conditions. ClinVar contains an entry for this variant (Variation ID: 2129296).